The following is an entry in ClinVar:

ClinVar aggregate classification (germline): Uncertain significance. Review status: criteria provided, multiple submitters, no conflicts (2 of 4 stars). 2 submissions from 2 submitters: Uncertain significance (2). Last evaluated 2022-03-18.

Conditions:
Autosomal recessive distal spinal muscular atrophy 1. Also called: NEURONOPATHY, SEVERE INFANTILE AXONAL, WITH RESPIRATORY FAILURE; NEURONOPATHY, DISTAL HEREDITARY MOTOR, HARDING TYPE VI; NEUROPATHY, DISTAL HEREDITARY MOTOR, AUTOSOMAL RECESSIVE 1; SEVERE INFANTILE AXONAL NEUROPATHY WITH RESPIRATORY FAILURE; SPINAL MUSCULAR ATROPHY, DIAPHRAGMATIC; Spinal muscular atrophy with respiratory distress 1. Identifiers: Orphanet 98920, MedGen C1858517, MONDO:0011436, OMIM 604320.
Charcot-Marie-Tooth disease axonal type 2S. Also called: CHARCOT-MARIE-TOOTH NEUROPATHY, TYPE 2S; CHARCOT-MARIE-TOOTH DISEASE, AXONAL, AUTOSOMAL RECESSIVE, TYPE 2S. Identifiers: Orphanet 443073, MedGen C4015349, MONDO:0014511, OMIM 616155.
Inborn genetic diseases. Identifiers: MedGen C0950123, MeSH D030342.

Allele frequency attached by ClinVar (database versions not stated): gnomAD 0.00001; ExAC 0.00002; gnomAD exomes 0.00002; TOPMed 0.00003.
gnomAD v4.1: 19 of 1,614,082 alleles (0.0012%); highest among the groups gnomAD compares: East Asian, 0.0067%; no homozygotes.

Submissions (2):

Labcorp Genetics (formerly Invitae), Labcorp
Classification: Uncertain significance for Autosomal recessive distal spinal muscular atrophy 1; Charcot-Marie-Tooth disease axonal type 2S. Last evaluated: 2022-03-18. Review status: criteria provided, single submitter. Criteria: Invitae Variant Classification Sherloc (09022015). Collection method: clinical testing. Allele origin: germline.
Comment: This sequence change replaces alanine, which is neutral and non-polar, with threonine, which is neutral and polar, at codon 247 of the IGHMBP2 protein (p.Ala247Thr). This variant is present in population databases (rs774700020, gnomAD 0.007%). This variant has not been reported in the literature in individuals affected with IGHMBP2-related conditions. Advanced modeling of protein sequence and biophysical properties (such as structural, functional, and spatial information, amino acid conservation, physicochemical variation, residue mobility, and thermodynamic stability) performed at Invitae indicates that this missense variant is expected to disrupt IGHMBP2 protein function. In summary, the available evidence is currently insufficient to determine the role of this variant in disease. Therefore, it has been classified as a Variant of Uncertain Significance.

Ambry Genetics
Classification: Uncertain significance for Inborn genetic diseases. Last evaluated: 2020-10-08. Review status: criteria provided, single submitter. Criteria: Ambry Variant Classification Scheme 2023. Collection method: clinical testing. Allele origin: germline.
Comment: The p.A247T variant (also known as c.739G>A), located in coding exon 6 of the IGHMBP2 gene, results from a G to A substitution at nucleotide position 739. The alanine at codon 247 is replaced by threonine, an amino acid with similar properties. This amino acid position is highly conserved in available vertebrate species. In addition, this alteration is predicted to be deleterious by in silico analysis. Since supporting evidence is limited at this time, the clinical significance of this alteration remains unclear.

NM_002180.3(IGHMBP2):c.739G>A (p.Ala247Thr)

Gene: IGHMBP2 (immunoglobulin mu DNA binding protein 2; plus strand). Cytogenetic location: 11q13.3.
Variant type: single nucleotide variant.
Coding change: c.739G>A on transcript NM_002180.3 (MANE Select); coding-DNA position 739, G replaced by A.
Protein change: p.Ala247Thr; replaces alanine 247 with threonine.
Molecular consequence: missense variant.
Genome position (GRCh38, 1-based): chr11:68,914,850, G>A. VCF-style: chr11-68914850-G-A. GRCh37 (hg19) VCF-style: chr11-68682318-G-A.
Other names: short protein forms A247T.
Identifiers: ClinVar variation 1360513 (VCV001360513.5), dbSNP rs774700020, ClinGen allele CA6153387.